The following is an entry in ClinVar:

ClinVar aggregate classification (germline): Uncertain significance. Review status: criteria provided, multiple submitters, no conflicts (2 of 4 stars). 5 submissions from 5 submitters: Uncertain significance (5). Last evaluated 2025-04-13.

Conditions:
Meckel syndrome, type 11 (MKS11). Identifiers: Orphanet 564, MedGen C3809352, MONDO:0014164, OMIM 615397.
Joubert syndrome 20 (JBTS20). Identifiers: Orphanet 475, MedGen C3554235, MONDO:0013994, OMIM 614970.
Inborn genetic diseases. Identifiers: MedGen C0950123, MeSH D030342.

Allele frequency attached by ClinVar (database versions not stated): gnomAD exomes 0.00002 and 0.00007; TOPMed 0.00002; gnomAD 0.00003; ExAC 0.00004; ESP Exome Variant Server 0.00008.
gnomAD v4.1: 104 of 1,596,550 alleles (0.0065%); highest among the groups gnomAD compares: Non-Finnish European, 0.0085%; no homozygotes.

Submissions (5):

Labcorp Genetics (formerly Invitae), Labcorp
Classification: Uncertain significance for Joubert syndrome 20; Meckel syndrome, type 11. Last evaluated: 2025-04-13. Review status: criteria provided, single submitter. Criteria: Invitae Variant Classification Sherloc (09022015). Collection method: clinical testing. Allele origin: germline.
Comment: This sequence change replaces proline, which is neutral and non-polar, with serine, which is neutral and polar, at codon 128 of the TMEM231 protein (p.Pro128Ser). This variant is present in population databases (rs372775075, gnomAD 0.008%). This variant has not been reported in the literature in individuals affected with TMEM231-related conditions. ClinVar contains an entry for this variant (Variation ID: 445642). An algorithm developed to predict the effect of missense changes on protein structure and function outputs the following: PolyPhen-2: "Not Available". The serine amino acid residue is found in multiple mammalian species, which suggests that this missense change does not adversely affect protein function. In summary, the available evidence is currently insufficient to determine the role of this variant in disease. Therefore, it has been classified as a Variant of Uncertain Significance.

Ambry Genetics
Classification: Uncertain significance for Inborn genetic diseases. Last evaluated: 2024-08-05. Review status: criteria provided, single submitter. Criteria: Ambry Variant Classification Scheme 2023. Collection method: clinical testing. Allele origin: germline.

Fulgent Genetics
Classification: Uncertain significance for Joubert syndrome 20; Meckel syndrome, type 11. Last evaluated: 2024-04-04. Review status: criteria provided, single submitter. Criteria: ACMG Guidelines, 2015. Collection method: clinical testing. Allele origin: germline.

Blueprint Genetics
Classification: Uncertain significance. Last evaluated: 2023-07-11. Review status: criteria provided, single submitter. Criteria: ACMG Guidelines, 2015. Collection method: clinical testing. Allele origin: germline.

Center for Pediatric Genomic Medicine, Children's Mercy Hospital and Clinics
Classification: Uncertain significance. Last evaluated: 2017-05-08. Review status: criteria provided, single submitter. Criteria: ACMG Guidelines, 2015. Collection method: clinical testing. Allele origin: germline.

NM_001077418.3(TMEM231):c.223C>T (p.Pro75Ser)

Gene: TMEM231 (transmembrane protein 231; minus strand). Cytogenetic location: 16q23.1.
Variant type: single nucleotide variant.
Coding change: c.223C>T on transcript NM_001077418.3 (MANE Select); coding-DNA position 223, C replaced by T.
Protein change: p.Pro75Ser; replaces proline 75 with serine.
Molecular consequence: missense variant. On other transcripts: non-coding transcript variant (1).
Genome position (GRCh38, 1-based): chr16:75,555,890, G>A on the plus strand (C>T on the coding strand, the complement: TMEM231 is on the minus strand). VCF-style: chr16-75555890-G-A. GRCh37 (hg19) VCF-style: chr16-75589788-G-A.
Other names: c.382C>T, p.Pro128Ser (NM_001077416.2); c.310C>T (NM_001077416.1); short protein forms P128S, P75S.
Identifiers: ClinVar variation 445642 (VCV000445642.11), dbSNP rs372775075, ClinGen allele CA8176260.